The following is an entry in ClinVar:

ClinVar aggregate classification (germline): Uncertain significance (1 of 4 stars; one submission).

Conditions:
Atypical hemolytic-uremic syndrome. Identifiers: Orphanet 2134, MedGen C2931788, MONDO:0016244.
Basal laminar drusen. Also called: DRUSEN OF BRUCH MEMBRANE; DRUSEN, CUTICULAR; DRUSEN, EARLY ADULT-ONSET, GROUPED. Identifiers: Orphanet 75376, MedGen C0730295, MONDO:0007472, OMIM 126700.
Factor H deficiency (CFHD). Also called: COMPLEMENT FACTOR H DEFICIENCY; CFH DEFICIENCY. Identifiers: Orphanet 200421, MedGen C0398777, MONDO:0012350, OMIM 609814.
Age related macular degeneration 4. Identifiers: MedGen C1853147, MONDO:0012540, OMIM 610698.

Submission:

Genomenon, Inc
Classification: Uncertain significance for Basal laminar drusen; Age related macular degeneration 4; Atypical hemolytic-uremic syndrome; Factor H deficiency. Last evaluated: 2025-10-02. Review status: criteria provided, single submitter. Criteria: Genomenon Sequence Variant Interpretation Standards - Updated. Collection method: curation. Allele origin: germline. Affected: no.
Comment: CFH p.Arg53Gly (c.157C>G) is a missense variant that changes the amino acid at residue 53 from Arginine to Glycine. This variant has been reported in the published literature (PMID:27572114). It is absent or not present at a significant frequency in gnomAD. In conclusion, we classify CFH p.Arg53Gly (c.157C>G) as a variant of uncertain significance.

Literature cited by the submitters: PubMed 27572114.

NM_000186.4(CFH):c.157C>G (p.Arg53Gly)

Gene: CFH (complement factor H; plus strand). Cytogenetic location: 1q31.3.
Variant type: single nucleotide variant.
Coding change: c.157C>G on transcript NM_000186.4 (MANE Select); coding-DNA position 157, C replaced by G.
Protein change: p.Arg53Gly; replaces arginine 53 with glycine.
Molecular consequence: missense variant.
Genome position (GRCh38, 1-based): chr1:196,673,076, C>G. VCF-style: chr1-196673076-C-G. GRCh37 (hg19) VCF-style: chr1-196642206-C-G.
Other names: c.157C>G, p.Arg53Gly (NM_001014975.3); short protein forms R53G.
Identifiers: ClinVar variation 4291411 (VCV004291411.1).
Genomic context (GRCh38, chr1:196,673,076, plus strand): 5'-CTGACAGGTTCCTGGTCTGACCAAACATATCCAGAAGGCACCCAGGCTATCTATAAATGC[C>G]GCCCTGGATATAGATCTCTTGGAAATGTAATAATGGTATGCAGGAAGGGAGAATGGGTTG-3'
Protein context (NP_000177.2, residues 43-63): PEGTQAIYKC[Arg53Gly]PGYRSLGNVI